The following is an entry in ClinVar:

ClinVar aggregate classification (germline): Pathogenic/Likely pathogenic. Review status: criteria provided, multiple submitters, no conflicts (2 of 4 stars). 5 submissions from 5 submitters: Pathogenic (2); Likely pathogenic (2). 1 of the submissions does not count toward it. Last evaluated 2026-01-07.

Conditions:
Rajab interstitial lung disease with brain calcifications 1 (RILDBC1). Also called: NEURODEVELOPMENTAL DISORDER WITH BRAIN, LIVER, AND LUNG ABNORMALITIES; DEVELOPMENTAL DELAY, SMALL STATURE, MICROCEPHALY, AND BRAIN CALCIFICATIONS. Identifiers: Orphanet 178506, MedGen C5436276, MONDO:0100215, OMIM 613658.
Rajab interstitial lung disease with brain calcifications. Identifiers: Orphanet 178506, MedGen C3150910, MONDO:0100214.

Allele frequency attached by ClinVar (database versions not stated): TOPMed below 0.00001; gnomAD exomes below 0.00001.
gnomAD v4.1: 5 of 1,608,578 alleles (0.00031%); highest among the groups gnomAD compares: East Asian, 0.0022%; no homozygotes.

Submissions (5):

Labcorp Genetics (formerly Invitae), Labcorp
Classification: Pathogenic. Last evaluated: 2026-01-07. Review status: criteria provided, single submitter. Criteria: Invitae Variant Classification Sherloc (09022015). Collection method: clinical testing. Allele origin: germline.
Comment: This sequence change replaces glutamic acid, which is acidic and polar, with lysine, which is basic and polar, at codon 285 of the FARSB protein (p.Glu285Lys). This variant is not present in population databases (gnomAD no frequency). This missense change has been observed in individuals with FARSB-related conditions (PMID: 30014610, 35937029). It has also been observed to segregate with disease in related individuals. ClinVar contains an entry for this variant (Variation ID: 559418). Invitae Evidence Modeling of protein sequence and biophysical properties (such as structural, functional, and spatial information, amino acid conservation, physicochemical variation, residue mobility, and thermodynamic stability) has been performed for this missense variant. However, the output from this modeling did not meet the statistical confidence thresholds required to predict the impact of this variant on FARSB protein function. For these reasons, this variant has been classified as Pathogenic.

Genomic Research Center, Shahid Beheshti University of Medical Sciences
Classification: Pathogenic for Rajab interstitial lung disease with brain calcifications 1. Last evaluated: 2024-07-24. Review status: criteria provided, single submitter. Criteria: ACMG Guidelines, 2015. Collection method: clinical testing. Allele origin: inherited. Affected: yes. Observed: 1 variant allele.

Department of Genetics, Sultan Qaboos University Hospital
Classification: Likely pathogenic for Rajab interstitial lung disease with brain calcifications 1. Last evaluated: 2018-07-15. Review status: criteria provided, single submitter. Criteria: ACMG Guidelines, 2015. Collection method: research. Allele origin: germline. Inheritance: Autosomal recessive inheritance. Affected: yes. Observed: 5 variant alleles, 5 homozygotes.

Juno Genomics, Hangzhou Juno Genomics, Inc
Classification: Likely pathogenic for Rajab interstitial lung disease with brain calcifications 1. Review status: criteria provided, single submitter. Criteria: ACMG Guidelines, 2015. Collection method: clinical testing. Allele origin: germline. Affected: yes.
Comment: Absent from controls (or at extremely low frequency if recessive) in Genome Aggregation Database, Exome Sequencing Project, 1000 Genomes Project, or Exome Aggregation Consortium.;For recessive disorders, detected in trans with a pathogenic variant.;Co-segregation with disease in multiple affected family members in a gene definitively known to cause the disease.;Patient's phenotype or family history is highly specific for a disease with a single genetic etiology.

OMIM
Classification: Pathogenic for RAJAB INTERSTITIAL LUNG DISEASE WITH BRAIN CALCIFICATIONS 1. Last evaluated: 2024-09-18. Review status: no assertion criteria provided. Collection method: literature only. Allele origin: germline. Not counted in ClinVar's aggregate classification.

Literature cited by the submitters: PubMed 30014610 (cited by Labcorp Genetics (formerly Invitae), Labcorp and OMIM); PubMed 35937029 (cited by Labcorp Genetics (formerly Invitae), Labcorp); PubMed 19161147 (cited by OMIM).

NM_005687.5(FARSB):c.853G>A (p.Glu285Lys)

Gene: FARSB (phenylalanyl-tRNA synthetase subunit beta; minus strand). Cytogenetic location: 2q36.1.
Variant type: single nucleotide variant.
Coding change: c.853G>A on transcript NM_005687.5 (MANE Select); coding-DNA position 853, G replaced by A.
Protein change: p.Glu285Lys; replaces glutamic acid 285 with lysine.
Molecular consequence: missense variant. On other transcripts: non-coding transcript variant (1).
Genome position (GRCh38, 1-based): chr2:222,628,884, C>T on the plus strand (G>A on the coding strand, the complement: FARSB is on the minus strand). VCF-style: chr2-222628884-C-T. GRCh37 (hg19) VCF-style: chr2-223493603-C-T.
Other names: FARSB, GLU285LYS (rs767956337); short protein forms E285K.
Identifiers: ClinVar variation 559418 (VCV000559418.16), dbSNP rs767956337, ClinGen allele CA65830531.